The following is an entry in ClinVar:

ClinVar aggregate classification (germline): Pathogenic. Review status: criteria provided, multiple submitters, no conflicts (2 of 4 stars). 3 submissions from 3 submitters: Pathogenic (3). Last evaluated 2025-09-11.

Conditions:
Schimke immuno-osseous dysplasia (SIOD). Also called: Schimke Immunoosseous Dysplasia. Identifiers: Orphanet 1830, MedGen C0877024, MONDO:0009458, OMIM 242900.

Allele frequency attached by ClinVar (database versions not stated): gnomAD 0.00001; gnomAD exomes 0.00001 and 0.00005; ExAC 0.00002; TOPMed 0.00002; ESP Exome Variant Server 0.00016.

Submissions (3):

Natera, Inc.
Classification: Pathogenic for Schimke immuno-osseous dysplasia. Last evaluated: 2025-09-11. Review status: criteria provided, single submitter. Criteria: Natera Variant Classification Schema (03/2026). Collection method: clinical testing. Allele origin: germline.
Comment: The c.415_416delTT variant in SMARCAL1 is a frameshift variant predicted to shift the reading frame beginning at codon 139 and leads to a stop codon 3 codons downstream. This variant is expected to result in nonsense mediated decay, truncation, or a dysfunctional protein product. This variant is rare in the general population with a frequency below the threshold expected for the associated phenotype(s). This variant has been observed in one or more individuals affected with the associated recessive disease, as either homozygous or compound heterozygous with a second variant (PMID: 40004207). Given the available evidence, this variant is classified as Pathogenic.

Labcorp Genetics (formerly Invitae), Labcorp
Classification: Pathogenic for Schimke immuno-osseous dysplasia. Last evaluated: 2025-05-07. Review status: criteria provided, single submitter. Criteria: Invitae Variant Classification Sherloc (09022015). Collection method: clinical testing. Allele origin: germline.
Comment: This sequence change creates a premature translational stop signal (p.Leu139Glufs*3) in the SMARCAL1 gene. It is expected to result in an absent or disrupted protein product. Loss-of-function variants in SMARCAL1 are known to be pathogenic (PMID: 11799392, 20301550). This variant is present in population databases (rs781023326, gnomAD 0.004%). This premature translational stop signal has been observed in individual(s) with focal segmental glomerulosclerosis (PMID: 28780565). ClinVar contains an entry for this variant (Variation ID: 598612). For these reasons, this variant has been classified as Pathogenic.

Eurofins Ntd Llc (ga)
Classification: Pathogenic. Last evaluated: 2018-09-17. Review status: criteria provided, single submitter. Criteria: EGL ClinVar v180209 classification definitions. Collection method: clinical testing. Allele origin: germline. Observed: 1 variant allele, 1 heterozygote.

Literature cited by the submitters: PubMed 40004207 (cited by Natera, Inc.); PubMed 11799392 (cited by Labcorp Genetics (formerly Invitae), Labcorp); PubMed 20301550 (cited by Labcorp Genetics (formerly Invitae), Labcorp); PubMed 28780565 (cited by Labcorp Genetics (formerly Invitae), Labcorp).

NM_014140.4(SMARCAL1):c.415_416del (p.Leu139fs)

Gene: SMARCAL1 (SNF2 related chromatin remodeling annealing helicase 1; plus strand). Cytogenetic location: 2q35.
Variant type: Deletion.
Coding change: c.415_416del on transcript NM_014140.4 (MANE Select); coding-DNA positions 415 to 416, 2 bases deleted (TT; older notation c.415_416delTT).
Protein change: p.Leu139fs; shifts the reading frame from leucine 139.
Molecular consequence: frameshift variant.
Genome position (GRCh38, 1-based): chr2:216,415,119-216,415,120, TT deleted. VCF-style (leftmost placement, unchanged base first): chr2-216415118-CTT-C. GRCh37 (hg19) VCF-style: chr2-217279841-CTT-C.
Other names: c.415_416del, p.Leu139fs (NM_001127207.2); c.415_416delTT (NM_014140.3); short protein forms L139fs.
Identifiers: ClinVar variation 598612 (VCV000598612.16), dbSNP rs781023326, ClinGen allele CA2097589.
Genomic context (GRCh38, chr2:216,415,118, plus strand): 5'-TCTCACTGGAATCTCTCCTCCCTTGGCACAAAGTCCTCCAGAGGTCCCTAAACAACAGCT[CTT>C]GAGTTATGAGTTAGGTCAAGGTCATGCTCAGGCTTCACCTGAGATCAGGTTCACACCCTT-3'